The following is an entry in ClinVar:

ClinVar aggregate classification (germline): Uncertain significance (1 of 4 stars; one submission).

Conditions:
Hereditary breast ovarian cancer syndrome. Also called: Hereditary breast and/or ovarian cancer syndrome; Hereditary breast and ovarian cancer syndrome; Hereditary breast and ovarian cancer syndrome (HBOC); Breast and ovarian cancer; BRCA1- and BRCA2-Associated Hereditary Breast and Ovarian Cancer; Hereditary breast and ovarian cancer. Identifiers: Orphanet 145, MedGen C0677776, MeSH D061325, MONDO:0003582. Disease mechanism: loss of function.

Submission:

Labcorp Genetics (formerly Invitae), Labcorp
Classification: Uncertain significance for Hereditary breast ovarian cancer syndrome. Last evaluated: 2024-05-06. Review status: criteria provided, single submitter. Criteria: Invitae Variant Classification Sherloc (09022015). Collection method: clinical testing. Allele origin: germline.
Comment: This sequence change replaces leucine, which is neutral and non-polar, with isoleucine, which is neutral and non-polar, at codon 137 of the BRCA1 protein (p.Leu137Ile). This variant is not present in population databases (gnomAD no frequency). This variant has not been reported in the literature in individuals affected with BRCA1-related conditions. ClinVar contains an entry for this variant (Variation ID: 948029). Advanced modeling of protein sequence and biophysical properties (such as structural, functional, and spatial information, amino acid conservation, physicochemical variation, residue mobility, and thermodynamic stability) performed at Invitae indicates that this missense variant is not expected to disrupt BRCA1 protein function with a negative predictive value of 95%. In summary, the available evidence is currently insufficient to determine the role of this variant in disease. Therefore, it has been classified as a Variant of Uncertain Significance.

NM_007294.4(BRCA1):c.409C>A (p.Leu137Ile)

Gene: BRCA1 (BRCA1 DNA repair associated; minus strand). Cytogenetic location: 17q21.31.
Variant type: single nucleotide variant.
Coding change: c.409C>A on transcript NM_007294.4 (MANE Select); coding-DNA position 409, C replaced by A.
Protein change: p.Leu137Ile; replaces leucine 137 with isoleucine.
Molecular consequence: missense variant. On other transcripts: non-coding transcript variant (1).
Genome position (GRCh38, 1-based): chr17:43,104,154, G>T on the plus strand (C>A on the coding strand, the complement: BRCA1 is on the minus strand). VCF-style: chr17-43104154-G-T. GRCh37 (hg19) VCF-style: chr17-41256171-G-T.
Other names: c.409C>A, p.Leu137Ile (NM_007298.4, NM_007299.4, NM_007300.4 and 165 more transcripts); c.268C>A, p.Leu90Ile (NM_001407696.1, NM_001407697.1, NM_001407732.1 and 99 more transcripts); c.400C>A, p.Leu134Ile (NM_001408408.1, NM_001407646.1, NM_001407647.1); c.331C>A, p.Leu111Ile (NM_001408409.1, NM_001408411.1, NM_001408412.1 and 21 more transcripts); c.277C>A, p.Leu93Ile (NM_001408451.1); c.199C>A, p.Leu67Ile (NM_001408478.1, NM_001408479.1, NM_001408480.1 and 58 more transcripts); c.28C>A, p.Leu10Ile (NM_001408510.1, NM_001408512.1, NM_001407959.1 and 4 more transcripts); short protein forms L137I, L90I, L111I, L67I, L10I, L93I, L134I.
Identifiers: ClinVar variation 948029 (VCV000948029.11), dbSNP rs1350236972, ClinGen allele CA10601326.